The following is an entry in ClinVar:

ClinVar aggregate classification (germline): Benign (1 of 4 stars; one submission).

Submission:

Unidad de Genómica Garrahan, Hospital de Pediatría Garrahan
Classification: Benign. Last evaluated: 2024-01-24. Review status: criteria provided, single submitter. Criteria: ACMG Guidelines, 2015. Collection method: clinical testing. Allele origin: germline. Affected: no. Observed: 21 variant alleles.
Comment: This variant is classified as Benign based on local population frequency. This variant was detected in 22% of patients studied by a panel of primary immunodeficiencies. Number of patients: 21. Only high quality variants are reported.

NM_015122.3(FCHO1):c.2093+92_2093+93dup

Gene: FCHO1 (FCH and mu domain containing endocytic adaptor 1; plus strand). Cytogenetic location: 19p13.11.
Variant type: Duplication.
Coding change: c.2093+92_2093+93dup on transcript NM_015122.3 (MANE Select); bases 92 to 93 of the intron after coding-DNA position 2093, 2 bases duplicated (TT; older notation c.2093+92_2093+93dupTT).
Molecular consequence: intron variant.
Genome position (GRCh38, 1-based): chr19:17,783,264-17,783,265, TT duplicated; duplicating any 2 consecutive bases within chr19:17,783,260-17,783,265 gives the same sequence; the c. name uses the placement nearest the transcript's 3' end. VCF-style (leftmost placement, unchanged base first): chr19-17783259-A-ATT. GRCh37 (hg19) VCF-style: chr19-17894068-A-ATT.
Other names: c.2093+92_2093+93dup (NM_001384370.1, NM_001384376.1, NM_001384375.1 and 13 more transcripts); c.1817+92_1817+93dup (NM_001384396.1, NM_001384404.1, NM_001384398.1 and 5 more transcripts); c.2018+92_2018+93dup (NM_001384390.1); c.1667+92_1667+93dup (NM_001384406.1); c.1523+92_1523+93dup (NM_001384407.1); c.1976+92_1976+93dup (NM_001384393.1, NM_001384394.1, NM_001384392.1 and 1 more transcripts); c.1772+92_1772+93dup (NM_001384403.1); c.2054+92_2054+93dup (NM_001384388.1, NM_001384405.1, NM_001384389.1); and 1 more.
Identifiers: ClinVar variation 2688321 (VCV002688321.2), dbSNP rs35570531, ClinGen allele CA505999879.